The following is an entry in ClinVar:

NM_005027.4(PIK3R2):c.893C>T (p.Ala298Val)

Gene: PIK3R2 (phosphoinositide-3-kinase regulatory subunit 2; plus strand). Cytogenetic location: 19p13.11.
Variant type: single nucleotide variant.
Coding change: c.893C>T on transcript NM_005027.4 (MANE Select); coding-DNA position 893, C replaced by T.
Protein change: p.Ala298Val; replaces alanine 298 with valine.
Molecular consequence: missense variant. On other transcripts: non-coding transcript variant (2).
Genome position (GRCh38, 1-based): chr19:18,162,043, C>T. VCF-style: chr19-18162043-C-T. GRCh37 (hg19) VCF-style: chr19-18272853-C-T.
Other names: short protein forms A298V.
Identifiers: ClinVar variation 3251402 (VCV003251402.2), dbSNP rs148193042.
Genomic context (GRCh38, chr19:18,162,043, plus strand): 5'-ACTTCCCGGCGCTGCTGGTGGAGAAGCTGCTTCAGGAACACTTGGAAGAGCAGGAGGTTG[C>T]GCCCCCAGGTGAGTCCCCTGTATTGCTGTCATTTCTTCCCGTTGGGGGCCGTAAATACTG-3'
Protein context (NP_005018.2, residues 288-308): LQEHLEEQEV[Ala298Val]PPALPPKPPK

ClinVar aggregate classification (germline): Uncertain significance. Review status: criteria provided, multiple submitters, no conflicts (2 of 4 stars). 2 submissions from 2 submitters: Uncertain significance (2). Last evaluated 2025-11-04.

Conditions:
Megalencephaly-polymicrogyria-postaxial polydactyly-hydrocephalus syndrome. Also called: MPPH Syndrome; MEG-PMG-MEGACC SYNDROME. Identifiers: Orphanet 83473, MedGen C1863924, MONDO:0019375.

Allele frequency attached by ClinVar (database versions not stated): gnomAD exomes 0.00001; TOPMed 0.00002; gnomAD 0.00003; ExAC 0.00005; 1000 Genomes Project 30x 0.00016; 1000 Genomes Project 0.00020.
gnomAD v4.1: 21 of 1,613,552 alleles (0.0013%); highest among the groups gnomAD compares: East Asian, 0.02%; no homozygotes.

Submissions (2):

Labcorp Genetics (formerly Invitae), Labcorp
Classification: Uncertain significance for Megalencephaly-polymicrogyria-postaxial polydactyly-hydrocephalus syndrome. Last evaluated: 2025-11-04. Review status: criteria provided, single submitter. Criteria: Invitae Variant Classification Sherloc (09022015). Collection method: clinical testing. Allele origin: germline.
Comment: This sequence change replaces alanine, which is neutral and non-polar, with valine, which is neutral and non-polar, at codon 298 of the PIK3R2 protein (p.Ala298Val). This variant is present in population databases (rs148193042, gnomAD 0.05%). This variant has not been reported in the literature in individuals affected with PIK3R2-related conditions. ClinVar contains an entry for this variant (Variation ID: 3251402). Invitae Evidence Modeling of protein sequence and biophysical properties (such as structural, functional, and spatial information, amino acid conservation, physicochemical variation, residue mobility, and thermodynamic stability) indicates that this missense variant is not expected to disrupt PIK3R2 protein function with a negative predictive value of 80%. In summary, the available evidence is currently insufficient to determine the role of this variant in disease. Therefore, it has been classified as a Variant of Uncertain Significance.

Women's Health and Genetics/Laboratory Corporation of America, LabCorp
Classification: Uncertain significance. Last evaluated: 2024-04-09. Review status: criteria provided, single submitter. Criteria: LabCorp Variant Classification Summary - May 2015. Collection method: clinical testing. Allele origin: germline.
Comment: Variant summary: PIK3R2 c.893C>T (p.Ala298Val) results in a non-conservative amino acid change in the encoded protein sequence. Four of five in-silico tools predict a benign effect of the variant on protein function. The variant allele was found at a frequency of 4.8e-05 in 250308 control chromosomes. To our knowledge, no occurrence of c.893C>T in individuals affected with Megalencephaly-Polymicrogyria Syndrome 1 and no experimental evidence demonstrating its impact on protein function have been reported. No submitters have cited clinical-significance assessments for this variant to ClinVar. Based on the evidence outlined above, the variant was classified as uncertain significance.